The following is an entry in ClinVar:

NM_152415.3(VPS37A):c.297C>G (p.Thr99=)

Gene: VPS37A (VPS37A subunit of ESCRT-I; plus strand). Cytogenetic location: 8p22.
Variant type: single nucleotide variant.
Coding change: c.297C>G on transcript NM_152415.3 (MANE Select); coding-DNA position 297, C replaced by G.
Protein change: p.Thr99=; no amino-acid change (threonine 99 retained).
Molecular consequence: synonymous variant.
Genome position (GRCh38, 1-based): chr8:17,268,354, C>G. VCF-style: chr8-17268354-C-G. GRCh37 (hg19) VCF-style: chr8-17125863-C-G.
Other names: c.222C>G, p.Thr74= (NM_001145152.2); c.297C>G, p.Thr99= (NM_001363167.1, NM_001363173.2); c.27C>G, p.Thr9= (NM_001363168.1, NM_001363169.1, NM_001363170.1 and 2 more transcripts).
Identifiers: ClinVar variation 696358 (VCV000696358.9), dbSNP rs373508118, ClinGen allele CA4643245.
Genomic context (GRCh38, chr8:17,268,354, plus strand): 5'-GATCAGTGTTTATCCACCAATACGACATCACTTAATGGATAAACAAGGAGTGTATGTTAC[C>G]TCTCCATTAGTAAACAATGTATGTATATGGGATAATTTATTTCAGGGTAATATAATAGGT-3'
Protein context (NP_689628.2, residues 89-109): HLMDKQGVYV[Thr99=]SPLVNNFTMH

ClinVar aggregate classification (germline): Likely benign. Review status: criteria provided, single submitter (1 of 4 stars). 2 submissions from 2 submitters: Likely benign (1). 1 of the submissions does not count toward it. Last evaluated 2026-01-26.

Conditions:
VPS37A-related disorder. Also called: VPS37A-related condition.
Hereditary spastic paraplegia 53. Also called: Spastic paraplegia 53, autosomal recessive. Identifiers: Orphanet 319199, MedGen C3539494, MONDO:0013962, OMIM 614898.

Allele frequency attached by ClinVar (database versions not stated): ExAC 0.00027; TOPMed 0.00007; gnomAD 0.00009; gnomAD exomes 0.00020; ESP Exome Variant Server 0.00015.
gnomAD v4.1: 227 of 1,609,288 alleles (0.014%); highest among the groups gnomAD compares: Non-Finnish European, 0.018%; no homozygotes.

Submissions (2):

Labcorp Genetics (formerly Invitae), Labcorp
Classification: Likely benign for Hereditary spastic paraplegia 53. Last evaluated: 2026-01-26. Review status: criteria provided, single submitter. Criteria: Invitae Variant Classification Sherloc (09022015). Collection method: clinical testing. Allele origin: germline.

PreventionGenetics, part of Exact Sciences
Classification: Likely benign for VPS37A-related condition. Last evaluated: 2020-01-31. Review status: no assertion criteria provided. Collection method: clinical testing. Allele origin: germline. Not counted in ClinVar's aggregate classification.
Comment: This variant is classified as likely benign based on ACMG/AMP sequence variant interpretation guidelines (Richards et al. 2015 PMID: 25741868, with internal and published modifications).